The following is an entry in ClinVar:

ClinVar aggregate classification (germline): Conflicting classifications of pathogenicity. Review status: criteria provided, conflicting classifications (1 of 4 stars). 6 submissions from 6 submitters: Uncertain significance (5); Likely benign (1). Last evaluated 2025-12-23.

Conditions:
USH2A-related disorder. Also called: USH2A-related condition; USH2A-related disorders. Identifiers: MedGen CN239332.
Retinitis pigmentosa 39 (RP39). Identifiers: Orphanet 791, MedGen C3151138, MONDO:0013436, OMIM 613809.
Usher syndrome type 2A. Also called: USHER SYNDROME, TYPE IIA; RETINAL DISEASE IN USHER SYNDROME TYPE IIA, MODIFIER OF. Identifiers: Orphanet 231178, Orphanet 886, MedGen C1848634, MONDO:0010169, OMIM 276901.

gnomAD v4.1: 25 of 1,613,670 alleles (0.0015%); highest among the groups gnomAD compares: Non-Finnish European, 0.0021%; no homozygotes.

Submissions (6):

PreventionGenetics, part of Exact Sciences
Classification: Uncertain significance for USH2A-related condition. Last evaluated: 2025-12-23. Review status: criteria provided, single submitter. Criteria: ACMG Guidelines, 2015. Collection method: clinical testing. Allele origin: germline.
Comment: The USH2A c.11602A>T variant is predicted to result in the amino acid substitution p.Met3868Leu. To our knowledge, this variant has not been reported in the literature. This variant is reported in 0.0023% of alleles in individuals of European (Non-Finnish) descent in gnomAD. At this time, the clinical significance of this variant is uncertain due to the absence of conclusive functional and genetic evidence.

Labcorp Genetics (formerly Invitae), Labcorp
Classification: Uncertain significance. Last evaluated: 2025-04-16. Review status: criteria provided, single submitter. Criteria: Invitae Variant Classification Sherloc (09022015). Collection method: clinical testing. Allele origin: germline.
Comment: This sequence change replaces methionine, which is neutral and non-polar, with leucine, which is neutral and non-polar, at codon 3868 of the USH2A protein (p.Met3868Leu). This variant is present in population databases (rs35309576, gnomAD 0.003%). This variant has not been reported in the literature in individuals affected with USH2A-related conditions. ClinVar contains an entry for this variant (Variation ID: 228203). Invitae Evidence Modeling of protein sequence and biophysical properties (such as structural, functional, and spatial information, amino acid conservation, physicochemical variation, residue mobility, and thermodynamic stability) indicates that this missense variant is not expected to disrupt USH2A protein function with a negative predictive value of 95%. In summary, the available evidence is currently insufficient to determine the role of this variant in disease. Therefore, it has been classified as a Variant of Uncertain Significance.

Blueprint Genetics
Classification: Uncertain significance. Last evaluated: 2024-07-08. Review status: criteria provided, single submitter. Criteria: ACMG Guidelines, 2015. Collection method: clinical testing. Allele origin: germline.

Department of Pathology and Laboratory Medicine, Sinai Health System
Classification: Uncertain significance for Usher syndrome type 2A; Retinitis pigmentosa 39. Last evaluated: 2021-07-30. Review status: criteria provided, single submitter. Criteria: ACMG Guidelines, 2015. Collection method: research. Allele origin: germline.

GeneDx
Classification: Uncertain significance. Last evaluated: 2019-08-23. Review status: criteria provided, single submitter. Criteria: GeneDx Variant Classification Process June 2021. Collection method: clinical testing. Allele origin: germline. Affected: yes.
Comment: Not observed at a significant frequency in large population cohorts (Lek et al., 2016); In silico analysis, which includes protein predictors and evolutionary conservation, supports that this variant does not alter protein structure/function; Has not been previously published as pathogenic or benign to our knowledge

Laboratory for Molecular Medicine, Mass General Brigham Personalized Medicine
Classification: Likely benign. Last evaluated: 2015-04-20. Review status: criteria provided, single submitter. Criteria: LMM Criteria. Collection method: clinical testing. Allele origin: germline. Observed: 1 variant allele.
Comment: p.Met3868Leu in exon 60 of USH2A: This variant is not expected to have clinical significance because methionine (Met) at position 3868 is not conserved in mamma ls or evolutionarily distant species and 3 species (opossum, turkey, and chicken ) carry a leucine (Leu), and computational prediction tools do not predict an im pact to the protein. In addition, this variant have been been identified in 3/6 6718 European chromosomes and a variant at the same amino acid position (p.Met38 68Val) has been identified in 23% (15353/66718) of European chromosomes by the Exome Aggregation Consortium (ExAC; dbSNP rs3530 9576) supporting tolerance of variation at this position.

NM_206933.4(USH2A):c.11602A>T (p.Met3868Leu)

Gene: USH2A (usherin; minus strand). Cytogenetic location: 1q41.
Variant type: single nucleotide variant.
Coding change: c.11602A>T on transcript NM_206933.4 (MANE Select); coding-DNA position 11602, A replaced by T.
Protein change: p.Met3868Leu; replaces methionine 3868 with leucine.
Molecular consequence: missense variant.
Genome position (GRCh38, 1-based): chr1:215,741,484, T>A on the plus strand (A>T on the coding strand, the complement: USH2A is on the minus strand). VCF-style: chr1-215741484-T-A. GRCh37 (hg19) VCF-style: chr1-215914826-T-A.
Other names: short protein forms M3868L.
Identifiers: ClinVar variation 228203 (VCV000228203.13), dbSNP rs35309576, ClinGen allele CA1393663.
Genomic context (GRCh38, chr1:215,741,484, plus strand): 5'-TCCACTTAATCTCTATGCAAGCTGACCCCAGTGCCTTAAGAACAGGAGAATTAAGATCCA[T>A]TGGGGCTGCTTCAGGTGTTTTGACAAACATCCTACTGCTAACTCCACAACTTCCTTGAAA-3'
Protein context (NP_996816.3, residues 3858-3878): MFVKTPEAAP[Met3868Leu]DLNSPVLKAL